The following is an entry in ClinVar:

ClinVar aggregate classification (germline): Uncertain significance. Review status: criteria provided, multiple submitters, no conflicts (2 of 4 stars). 4 submissions from 4 submitters: Uncertain significance (4). Last evaluated 2025-11-05.

Conditions:
Cardiovascular phenotype. Identifiers: MedGen CN230736.
Myofibrillar myopathy 4. Also called: Zaspopathy (type). Identifiers: Orphanet 98912, MedGen C4721886, MONDO:0012277, OMIM 609452.

Allele frequency attached by ClinVar (database versions not stated): gnomAD exomes 0.00005; ExAC 0.00006; 1000 Genomes Project 30x 0.00016; 1000 Genomes Project 0.00020.
gnomAD v4.1: 46 of 1,614,162 alleles (0.0028%); highest among the groups gnomAD compares: South Asian, 0.044%; no homozygotes.

Submissions (4):

Labcorp Genetics (formerly Invitae), Labcorp
Classification: Uncertain significance for Myofibrillar myopathy 4. Last evaluated: 2025-11-05. Review status: criteria provided, single submitter. Criteria: Invitae Variant Classification Sherloc (09022015). Collection method: clinical testing. Allele origin: germline.
Comment: The LDB3 gene has multiple clinically relevant transcripts. This variant occurs in alternate transcript NM_007078.3, and corresponds to NM_001080116.1:c.*19399T>G in the primary transcript. This sequence change replaces valine, which is neutral and non-polar, with glycine, which is neutral and non-polar, at codon 635 of the LDB3 protein (p.Val635Gly). This variant is present in population databases (rs567014755, gnomAD 0.04%). This variant has not been reported in the literature in individuals affected with LDB3-related conditions. Experimental studies and prediction algorithms are not available or were not evaluated, and the functional significance of this variant is currently unknown. In summary, the available evidence is currently insufficient to determine the role of this variant in disease. Therefore, it has been classified as a Variant of Uncertain Significance.

Ambry Genetics
Classification: Uncertain significance for Cardiovascular phenotype. Last evaluated: 2024-05-13. Review status: criteria provided, single submitter. Criteria: Ambry Variant Classification Scheme 2023. Collection method: clinical testing. Allele origin: germline.
Comment: The p.V635G variant (also known as c.1904T>G), located in coding exon 11 of the LDB3 gene, results from a T to G substitution at nucleotide position 1904. The valine at codon 635 is replaced by glycine, an amino acid with dissimilar properties. This amino acid position is well conserved in available vertebrate species. In addition, this alteration is predicted to be deleterious by in silico analysis. Based on the available evidence, the clinical significance of this variant remains unclear.

GeneDx
Classification: Uncertain significance. Last evaluated: 2022-10-03. Review status: criteria provided, single submitter. Criteria: GeneDx Variant Classification Process June 2021. Collection method: clinical testing. Allele origin: germline. Affected: yes.
Comment: Has not been previously published as pathogenic or benign to our knowledge; In silico analysis supports that this missense variant has a deleterious effect on protein structure/function

Athena Diagnostics
Classification: Uncertain significance. Last evaluated: 2020-11-19. Review status: criteria provided, single submitter. Criteria: Athena Diagnostics criteria. Collection method: clinical testing. Allele origin: unknown.

NM_007078.3(LDB3):c.1904T>G (p.Val635Gly)

Gene: LDB3 (LIM domain binding 3; plus strand). Cytogenetic location: 10q23.2.
Variant type: single nucleotide variant.
Coding change: c.1904T>G on transcript NM_007078.3 (MANE Select); coding-DNA position 1904, T replaced by G.
Protein change: p.Val635Gly; replaces valine 635 with glycine.
Molecular consequence: missense variant.
Genome position (GRCh38, 1-based): chr10:86,718,773, T>G. VCF-style: chr10-86718773-T-G. GRCh37 (hg19) VCF-style: chr10-88478530-T-G.
Other names: c.1574T>G, p.Val525Gly (NM_001080114.2); c.1919T>G, p.Val640Gly (NM_001171610.2); c.1715T>G, p.Val572Gly (NM_001368064.1, NM_001368065.1); c.1763T>G, p.Val588Gly (NM_001368066.1); short protein forms V635G, V572G, V640G, V525G, V588G.
Identifiers: ClinVar variation 965704 (VCV000965704.15), dbSNP rs567014755, ClinGen allele CA5585260.